The following is an entry in ClinVar:

ClinVar aggregate classification (germline): Conflicting classifications of pathogenicity. Review status: criteria provided, conflicting classifications (1 of 4 stars). 23 submissions from 22 submitters: Pathogenic (8); Likely pathogenic (5); Uncertain significance (4). 6 of the submissions do not count toward it. Last evaluated 2026-09-23.

Conditions:
C6 deficiency, subtotal. Also called: COMPLEMENT COMPONENT 6 DEFICIENCY, SUBTOTAL. Identifiers: MedGen C2676233.
Complement component 6 deficiency (C6D). Also called: C6 DEFICIENCY. Identifiers: MedGen C2676232, MONDO:0012908, OMIM 612446.
Primary ciliary dyskinesia. Also called: Ciliary dyskinesia. Identifiers: Orphanet 244, MedGen C0008780, MONDO:0016575, HP:0012265.
C6-related disorders.
C6-related disorder. Also called: C6-related condition.

Allele frequency attached by ClinVar (database versions not stated): 1000 Genomes Project 0.00120; 1000 Genomes Project 30x 0.00125; gnomAD exomes 0.00219 and 0.00289; TOPMed 0.00221; ExAC 0.00231; gnomAD 0.00242; ESP Exome Variant Server 0.00308.
gnomAD v4.1: 4,469 of 1,589,972 alleles (0.28%); highest among the groups gnomAD compares: Non-Finnish European, 0.34%; 14 homozygotes.

Submissions 1 to 14 of 29:

GeneDx
Classification: Likely pathogenic. Last evaluated: 2026-09-23. Review status: criteria provided, single submitter. Criteria: GeneDx Variant Classification Process June 2021. Collection method: clinical testing. Allele origin: germline.
Comment: Published functional studies demonstrate that carriers present with lower than average C6 concentrations, however this variant allows for formation of a bactericidal-active, though less efficient, protein (PMID: 7535801, 24378253); Canonical splice site variant predicted to result in a null allele in a gene for which loss of function is a known mechanism of disease; This variant is associated with the following publications: (PMID: 22344438, 31453292, 31589614, 34426522, 36199823, 7535801, 31345219, 24378253, 33386334, 38096369, 39844836, 39062917, 39081726, 36404349, 31440263, 42190421, 42418371)

CeGaT Center for Human Genetics Tuebingen
Classification: Pathogenic. Last evaluated: 2026-06-01. Review status: criteria provided, single submitter. Criteria: CeGaT Center For Human Genetics Tuebingen Variant Classification Criteria Version 2. Collection method: clinical testing. Allele origin: germline. Affected: yes. Observed: 2 variant alleles.
Comment: C6: PVS1, PM2

Department of Human Genetics, Hannover Medical School
Classification: Uncertain significance for Primary Ciliary Dyskinesia. Last evaluated: 2026-04-01. Review status: criteria provided, single submitter. Criteria: ACMG Guidelines, 2015. Collection method: research. Allele origin: germline. Affected: no.
Comment: Classification performed by HerediClassify using the following criteria:['PVS1_splicing_strong: Transcript ENST00000337836 does not undergo NMD and reading frame is not preserved. Protein length change of 0.15096359743040688 observed.']

PreventionGenetics, part of Exact Sciences
Classification: Likely pathogenic for C6-related condition. Last evaluated: 2026-03-16. Review status: criteria provided, single submitter. Criteria: ACMG Guidelines, 2015. Collection method: clinical testing. Allele origin: germline.
Comment: The C6 c.2381+2T>C variant is predicted to disrupt the GT donor site and interfere with normal splicing. This variant has been reported in patients with C6 deficiency (Wurzner et al. 1995. PubMed ID: 7535801; Westra et al. 2014. PubMed ID: 24378253; Table S4, Bendapudi et al. 2024. PubMed ID: 38096369). In one report, individuals heterozygous for this variant have significantly reduced levels of C6 protein, but are not reported to be more susceptible to infection than individuals without this variant (Wurzner et al. 1995. PubMed ID: 7535801). This variant was also reported in the compound heterozygous state in a patient with relapsing bacterial and viral infections (Westra et al. 2014. PubMed ID: 24378253). This variant has been reported in up to ~0.38% of individuals (primarily within Europeans) in a large population database of presumably healthy individuals and has conflicting interpretations in ClinVar ranging from uncertain significance to likely pathogenic to pathogenic (Variation ID: 379370). Taken together, we classify this variant as likely pathogenic.

Dasa
Classification: Pathogenic. Last evaluated: 2026-02-26. Review status: criteria provided, single submitter. Criteria: DASA Assertion Criteria. Collection method: clinical testing. Allele origin: germline.
Comment: NM_000065.5(C6):c.2381+2T>C affects a canonical splice donor site and is predicted to disrupt normal splicing. Loss-of-function is an established mechanism of disease for this gene. Functional studies support a deleterious effect (PMID: 7535801, 24378253), and the variant has been reported in affected individuals in trans with another pathogenic variant. Based on the available data, this variant is classified as pathogenic.

Center for Genomic Medicine, Rigshospitalet, Copenhagen University Hospital
Classification: Uncertain significance. Last evaluated: 2025-03-04. Review status: criteria provided, single submitter. Criteria: ACMG Guidelines, 2015. Collection method: clinical testing. Allele origin: germline.

Blueprint Genetics
Classification: Pathogenic for C6-related disorders. Last evaluated: 2024-11-19. Review status: criteria provided, single submitter. Criteria: ACMG Guidelines, 2015. Collection method: clinical testing. Allele origin: germline. Affected: yes. Observed: 5 variant alleles.

Department of Human Genetics, Hannover Medical School
Classification: Pathogenic for Complement component 6 deficiency. Last evaluated: 2024-05-13. Review status: criteria provided, single submitter. Criteria: ACMG Guidelines, 2015. Collection method: clinical testing. Allele origin: germline. Affected: yes.

Fulgent Genetics
Classification: Uncertain significance for Complement component 6 deficiency. Last evaluated: 2024-04-10. Review status: criteria provided, single submitter. Criteria: ACMG Guidelines, 2015. Collection method: clinical testing. Allele origin: germline.

Genomic Medicine Center of Excellence, King Faisal Specialist Hospital and Research Centre
Classification: Likely pathogenic for Complement component 6 deficiency. Last evaluated: 2024-03-26. Review status: criteria provided, single submitter. Criteria: ACMG Guidelines, 2015. Collection method: clinical testing. Allele origin: germline.

3billion
Classification: Pathogenic for Complement component 6 deficiency. Last evaluated: 2023-11-29. Review status: criteria provided, single submitter. Criteria: ACMG Guidelines, 2015. Collection method: clinical testing. Allele origin: germline. Affected: yes.
Comment: The variant is observed at an extremely low frequency in the gnomAD v2.1.1 dataset (total allele frequency: 0.222%). Predicted Consequence/Location: Canonical splice site: predicted to alter splicing and result in a loss or disruption of normal protein function. Multiple pathogenic loss-of-function variants are reported downstream of the variant. The variant has been reported at least twice as pathogenic with clinical assertions and evidence for the classification (ClinVar ID: VCV000379370 /PMID: 7535801). Therefore, this variant is classified as Pathogenic according to the recommendation of ACMG/AMP guideline.

ARUP Laboratories, Molecular Genetics and Genomics, ARUP Laboratories
Classification: Likely pathogenic for Complement component 6 deficiency. Last evaluated: 2023-11-02. Review status: criteria provided, single submitter. Criteria: ARUP Molecular Germline Variant Investigation Process 2024. Collection method: clinical testing. Allele origin: germline.
Comment: The C6 c.2381+2T>C variant (rs76202909) is reported in individuals with C6 deficiency, with one individual compound heterozygous for an additional C6 variant (Westra 2014, Wurzner 1995). The variant is reported in the ClinVar database (Variation ID: 379370) and is found in the general population with an overall allele frequency of 0.2% (626/282,244 alleles) in the Genome Aggregation Database (v2.1.1). This variant disrupts the canonical splice donor site of intron 16, which is likely to negatively impact gene function. Based on available information, this variant is classified as likely pathogenic. References: Westra D et al. Compound heterozygous mutations in the C6 gene of a child with recurrent infections. Mol Immunol. 2014 Apr;58(2):201-5. Wurzner R et al. Molecular basis of subtotal complement C6 deficiency. A carboxy-terminally truncated but functionally active C6. J Clin Invest. 1995 Apr;95(4):1877-83.

Intergen Genetics and Rare Diseases Diagnosis Center
Classification: Likely pathogenic for Complement component 6 deficiency. Last evaluated: 2023-08-28. Review status: criteria provided, single submitter. Criteria: ACMG Guidelines, 2015. Collection method: clinical testing. Allele origin: unknown. Inheritance: Autosomal recessive inheritance. Observed: 1 heterozygote.

Victorian Clinical Genetics Services, Murdoch Childrens Research Institute
Classification: Pathogenic for Complement component 6 deficiency. Last evaluated: 2023-07-17. Review status: criteria provided, single submitter. Criteria: ACMG Guidelines, 2015. Collection method: clinical testing. Allele origin: germline. Inheritance: Autosomal recessive inheritance.
Comment: Based on the classification scheme VCGS_Germline_v1.3.4, this variant is classified as Pathogenic. Following criteria are met: 0102 - Loss of function is a known mechanism of disease in this gene and is associated with C6 deficiency (MIM#612446) and combined C6/C7 deficiency. (I) 0106 - This gene is associated with autosomal recessive disease. (I) 0211 - Canonical splice site variant without proven consequence on splicing (no functional evidence available). (SP) 0251 - This variant is heterozygous. (I) 0304 - Variant is present in gnomAD (v3) <0.01 for a recessive condition (341 heterozygotes, 1 homozygote). (SP) 0311 - An alternative nucleotide change at the same canonical splice site, is present in gnomAD (v3) (1 heterozygote, 0 homozygotes). (I) 0505 - Abnormal splicing is predicted by in silico tools and affected nucleotide is highly conserved. (SP) 0801 - This variant has strong previous evidence of pathogenicity in unrelated individuals. This variant has been reported twice as a VUS, but many times as pathogenic and likely pathogenic (ClinVar). It is known as the C6PD allele, and was observed in multiple heterozygous, compound heterozygous or homozygous individuals with a subtotal or total C6 deficiency. It was also found in a heterozygous individual with an infection of the central nervous system, who had an additional heterozygous variant (p.(Arg521Ser)) in the C7 gene (PMID: 24378253, PMID: 7535801, PMID: 31440263, PMID: 33386334). (SP) 1208 - Inheritance information for this variant is not currently available in this individual. (I) Legend: (SP) - Supporting pathogenic, (I) - Information, (SB) - Supporting benign

NM_000065.5(C6):c.2381+2T>C

Gene: C6 (complement C6; minus strand). Cytogenetic location: 5p13.1.
Variant type: single nucleotide variant.
Coding change: c.2381+2T>C on transcript NM_000065.5 (MANE Select); the canonical splice donor site of the intron after coding-DNA position 2381, T replaced by C.
Molecular consequence: splice donor variant.
Genome position (GRCh38, 1-based): chr5:41,149,933, A>G on the plus strand (T>C on the coding strand, the complement: C6 is on the minus strand). VCF-style: chr5-41149933-A-G. GRCh37 (hg19) VCF-style: chr5-41150035-A-G.
Other names: C6, IVS15DS, T-C, +2; IVS15DS, T-C, +2; c.2381+2T>C (NM_001115131.4).
Identifiers: ClinVar variation 379370 (VCV000379370.80), dbSNP rs76202909, ClinGen allele CA3252142.